The following is an entry in ClinVar:

ClinVar aggregate classification (germline): Uncertain significance (1 of 4 stars; one submission).

Conditions:
Hereditary cancer-predisposing syndrome. Also called: Hereditary neoplastic syndrome; Neoplastic Syndromes, Hereditary; Tumor predisposition; Hereditary Cancer Syndrome. Identifiers: Orphanet 140162, MedGen C0027672, MeSH D009386, MONDO:0015356.

Submission:

Ambry Genetics
Classification: Uncertain significance for Hereditary cancer-predisposing syndrome. Last evaluated: 2025-08-27. Review status: criteria provided, single submitter. Criteria: Ambry Variant Classification Scheme 2023. Collection method: clinical testing. Allele origin: germline.
Comment: The p.Q299H variant (also known as c.897G>C), located in coding exon 10 of the MUTYH gene, results from a G to C substitution at nucleotide position 897. The glutamine at codon 299 is replaced by histidine, an amino acid with highly similar properties. This amino acid position is conserved. In addition, this alteration is predicted to be tolerated by in silico analysis. Based on the available evidence, the clinical significance of this variant remains unclear.

NM_001048174.2(MUTYH):c.813G>C (p.Gln271His)

Gene: MUTYH (mutY DNA glycosylase; minus strand). Cytogenetic location: 1p34.1.
Variant type: single nucleotide variant.
Coding change: c.813G>C on transcript NM_001048174.2 (MANE Select); coding-DNA position 813, G replaced by C.
Protein change: p.Gln271His; replaces glutamine 271 with histidine.
Molecular consequence: missense variant. On other transcripts: non-coding transcript variant (7).
Genome position (GRCh38, 1-based): chr1:45,332,202, C>G on the plus strand (G>C on the coding strand, the complement: MUTYH is on the minus strand). VCF-style: chr1-45332202-C-G. GRCh37 (hg19) VCF-style: chr1-45797874-C-G.
Other names: c.813G>C, p.Gln271His (NM_001407070.1, NM_001407072.1, NM_001407073.1 and 6 more transcripts); c.816G>C, p.Gln272His (NM_001407071.1, NM_001407078.1, NM_001407086.1 and 1 more transcripts); c.729G>C, p.Gln243His (NM_001407075.1); c.846G>C, p.Gln282His (NM_001407077.1, NM_001293191.2, NM_001407069.1); c.774G>C, p.Gln258His (NM_001407079.1); c.771G>C, p.Gln257His (NM_001407080.1); c.897G>C, p.Gln299His (NM_001128425.2); c.858G>C, p.Gln286His (NM_001293190.2); and 5 more; short protein forms Q243H, Q258H, Q282H, Q286H, Q257H, Q272H, Q278H, Q299H.
Identifiers: ClinVar variation 4113893 (VCV004113893.1).